The following is an entry in ClinVar:

ClinVar aggregate classification (germline): Conflicting classifications of pathogenicity. Review status: criteria provided, conflicting classifications (1 of 4 stars). 3 submissions from 3 submitters: Uncertain significance (2); Likely benign (1). Last evaluated 2025-03-30.

Conditions:
Inborn genetic diseases. Identifiers: MedGen C0950123, MeSH D030342.
Hyperaldosteronism, familial, type IV (HALD4). Also called: FH IV; ALDOSTERONISM, PRIMARY, AND HYPERTENSION. Identifiers: Orphanet 642671, MedGen C4310756, MONDO:0014875, OMIM 617027.
Idiopathic generalized epilepsy. Also called: EIG; Generalised epilepsy. Identifiers: MedGen C0270850, MONDO:0005579, OMIM 600669.

Allele frequency attached by ClinVar (database versions not stated): gnomAD 0.00001.
gnomAD v4.1: 13 of 1,604,788 alleles (0.00081%); highest among the groups gnomAD compares: Middle Eastern, 0.039%; no homozygotes.

Submissions (3):

Ambry Genetics
Classification: Uncertain significance for Inborn genetic diseases. Last evaluated: 2025-03-30. Review status: criteria provided, single submitter. Criteria: Ambry Variant Classification Scheme 2023. Collection method: clinical testing. Allele origin: germline.

Labcorp Genetics (formerly Invitae), Labcorp
Classification: Uncertain significance for Idiopathic generalized epilepsy; Hyperaldosteronism, familial, type IV. Last evaluated: 2024-11-18. Review status: criteria provided, single submitter. Criteria: Invitae Variant Classification Sherloc (09022015). Collection method: clinical testing. Allele origin: germline.
Comment: This sequence change replaces arginine, which is basic and polar, with histidine, which is basic and polar, at codon 1585 of the CACNA1H protein (p.Arg1585His). This variant is present in population databases (rs774569737, gnomAD 0.006%). This variant has not been reported in the literature in individuals affected with CACNA1H-related conditions. ClinVar contains an entry for this variant (Variation ID: 1405382). Invitae Evidence Modeling of protein sequence and biophysical properties (such as structural, functional, and spatial information, amino acid conservation, physicochemical variation, residue mobility, and thermodynamic stability) indicates that this missense variant is expected to disrupt CACNA1H protein function with a positive predictive value of 80%. In summary, the available evidence is currently insufficient to determine the role of this variant in disease. Therefore, it has been classified as a Variant of Uncertain Significance.

Blueprint Genetics
Classification: Likely benign. Last evaluated: 2024-07-29. Review status: criteria provided, single submitter. Criteria: ACMG Guidelines, 2015. Collection method: clinical testing. Allele origin: germline.

NM_021098.3(CACNA1H):c.4754G>A (p.Arg1585His)

Gene: CACNA1H (calcium voltage-gated channel subunit alpha1 H; plus strand). Cytogenetic location: 16p13.3.
Variant type: single nucleotide variant.
Coding change: c.4754G>A on transcript NM_021098.3 (MANE Select); coding-DNA position 4754, G replaced by A.
Protein change: p.Arg1585His; replaces arginine 1585 with histidine.
Molecular consequence: missense variant.
Genome position (GRCh38, 1-based): chr16:1,212,133, G>A. VCF-style: chr16-1212133-G-A. GRCh37 (hg19) VCF-style: chr16-1262133-G-A.
Other names: c.4754G>A, p.Arg1585His (NM_001005407.2); c.4754G>A (NM_021098.2); short protein forms R1585H.
Identifiers: ClinVar variation 1405382 (VCV001405382.10), dbSNP rs774569737, ClinGen allele CA7801518.